The following is an entry in ClinVar:

NM_004329.3(BMPR1A):c.195G>A (p.Gly65=)

Gene: BMPR1A (bone morphogenetic protein receptor type 1A; plus strand). Cytogenetic location: 10q23.2.
Variant type: single nucleotide variant.
Coding change: c.195G>A on transcript NM_004329.3 (MANE Select); coding-DNA position 195, G replaced by A.
Protein change: p.Gly65=; no amino-acid change (glycine 65 retained).
Molecular consequence: synonymous variant.
Genome position (GRCh38, 1-based): chr10:86,890,189, G>A. VCF-style: chr10-86890189-G-A. GRCh37 (hg19) VCF-style: chr10-88649946-G-A.
Identifiers: ClinVar variation 416805 (VCV000416805.21), dbSNP rs765437517, ClinGen allele CA5585441.

ClinVar aggregate classification (germline): Benign/Likely benign. Review status: criteria provided, multiple submitters, no conflicts (2 of 4 stars). 6 submissions from 6 submitters: Benign (1); Likely benign (5). Last evaluated 2025-11-10.

Conditions:
Juvenile polyposis syndrome (JPS). Identifiers: Orphanet 2929, MedGen C0345893, MONDO:0017380, OMIM 174900.
Hereditary cancer-predisposing syndrome. Also called: Tumor predisposition; Neoplastic Syndromes, Hereditary; Hereditary Cancer Syndrome; Hereditary neoplastic syndrome. Identifiers: Orphanet 140162, MedGen C0027672, MeSH D009386, MONDO:0015356.

Allele frequency attached by ClinVar (database versions not stated): gnomAD exomes below 0.00001.
gnomAD v4.1: 1 of 1,614,088 alleles (0.000062%); highest among the groups gnomAD compares: East Asian, 0.0022%; no homozygotes.

Submissions (6):

Labcorp Genetics (formerly Invitae), Labcorp
Classification: Likely benign for Juvenile polyposis syndrome. Last evaluated: 2025-11-10. Review status: criteria provided, single submitter. Criteria: Invitae Variant Classification Sherloc (09022015). Collection method: clinical testing. Allele origin: germline.

Myriad Genetics, Inc.
Classification: Benign for Juvenile polyposis syndrome. Last evaluated: 2024-07-31. Review status: criteria provided, single submitter. Criteria: Myriad Autosomal Dominant, Autosomal Recessive and X-Linked Classification Criteria (2023). Collection method: clinical testing. Allele origin: unknown.
Comment: This variant is considered benign. This variant is a silent/synonymous amino acid change and it is not expected to impact splicing.

All of Us Research Program, National Institutes of Health
Classification: Likely benign for Juvenile polyposis syndrome. Last evaluated: 2023-11-02. Review status: criteria provided, single submitter. Criteria: ACMG Guidelines, 2015. Collection method: clinical testing. Allele origin: germline. Inheritance: Autosomal dominant inheritance. Observed: 1 variant allele, 1 heterozygote.
Comment: This study involves interpretation of variants in research participants for the purpose of population health screening. Participant phenotype was not available at the time of variant classification. Additional details can be found in publication PMID: 35346344, PMCID: PMC8962531

GeneDx
Classification: Likely benign. Last evaluated: 2019-11-13. Review status: criteria provided, single submitter. Criteria: GeneDx Variant Classification Process June 2021. Collection method: clinical testing. Allele origin: germline. Affected: yes.

Ambry Genetics
Classification: Likely benign for Hereditary cancer-predisposing syndrome. Last evaluated: 2017-08-21. Review status: criteria provided, single submitter. Criteria: Ambry Variant Classification Scheme 2023. Collection method: clinical testing. Allele origin: germline.

Color Diagnostics, LLC DBA Color Health
Classification: Likely benign for Hereditary cancer-predisposing syndrome. Last evaluated: 2016-07-27. Review status: criteria provided, single submitter. Criteria: ACMG Guidelines, 2015. Collection method: clinical testing. Allele origin: germline.